The following is an entry in ClinVar:

ClinVar aggregate classification (germline): Uncertain significance (1 of 4 stars; one submission).

Submission:

GeneDx
Classification: Uncertain significance. Last evaluated: 2023-11-20. Review status: criteria provided, single submitter. Criteria: GeneDx Variant Classification Process June 2021. Collection method: clinical testing. Allele origin: germline. Affected: yes.
Comment: Not observed at significant frequency in large population cohorts (gnomAD); In silico analysis supports a deleterious effect on splicing; Has not been previously published as pathogenic or benign to our knowledge

NM_006147.4(IRF6):c.668-5T>A

Gene: IRF6 (interferon regulatory factor 6; minus strand). Cytogenetic location: 1q32.2.
Variant type: single nucleotide variant.
Coding change: c.668-5T>A on transcript NM_006147.4 (MANE Select); 5 bases into the intron before coding-DNA position 668, T replaced by A.
Molecular consequence: intron variant.
Genome position (GRCh38, 1-based): chr1:209,790,892, A>T on the plus strand (T>A on the coding strand, the complement: IRF6 is on the minus strand). VCF-style: chr1-209790892-A-T. GRCh37 (hg19) VCF-style: chr1-209964237-A-T.
Other names: c.383-5T>A (NM_001206696.2).
Identifiers: ClinVar variation 3364671 (VCV003364671.1).